The following is an entry in ClinVar:

ClinVar aggregate classification (germline): Uncertain significance (1 of 4 stars; one submission).

Conditions:
SH2B3-related disorder. Also called: SH2B3-related condition.

Allele frequency attached by ClinVar (database versions not stated): gnomAD 0.00001.
gnomAD v4.1: 6 of 1,586,440 alleles (0.00038%); highest among the groups gnomAD compares: African/African-American, 0.0013%; no homozygotes.

Submission:

PreventionGenetics, part of Exact Sciences
Classification: Uncertain significance for SH2B3-related condition. Last evaluated: 2022-10-12. Review status: criteria provided, single submitter. Criteria: ACMG Guidelines, 2015. Collection method: clinical testing. Allele origin: germline.
Comment: The SH2B3 c.*8G>C variant is located in the 3' untranslated region. To our knowledge, this variant has not been reported in the literature. This variant is reported in 0.00094% of alleles in individuals of European (Non-Finnish) descent in gnomAD. At this time, the clinical significance of this variant is uncertain due to the absence of conclusive functional and genetic evidence.

NM_005475.3(SH2B3):c.*8G>C

Gene: SH2B3 (SH2B adaptor protein 3; plus strand). Cytogenetic location: 12q24.12.
Variant type: single nucleotide variant.
Coding change: c.*8G>C on transcript NM_005475.3 (MANE Select); 8 bases downstream of the stop codon, G replaced by C.
Molecular consequence: 3 prime UTR variant.
Genome position (GRCh38, 1-based): chr12:111,448,310, G>C. VCF-style: chr12-111448310-G-C. GRCh37 (hg19) VCF-style: chr12-111886114-G-C.
Other names: c.*8G>C (NM_001291424.1).
Identifiers: ClinVar variation 2637249 (VCV002637249.1), dbSNP rs1471634898, ClinGen allele CA607337976.